The following is an entry in ClinVar:

ClinVar aggregate classification (germline): Uncertain significance (1 of 4 stars; one submission).

Conditions:
Hereditary cancer-predisposing syndrome. Also called: Neoplastic Syndromes, Hereditary; Hereditary Cancer Syndrome; Tumor predisposition; Hereditary neoplastic syndrome. Identifiers: Orphanet 140162, MedGen C0027672, MeSH D009386, MONDO:0015356.

Submission:

Ambry Genetics
Classification: Uncertain significance for Hereditary cancer-predisposing syndrome. Last evaluated: 2025-02-02. Review status: criteria provided, single submitter. Criteria: Ambry Variant Classification Scheme 2023. Collection method: clinical testing. Allele origin: germline.
Comment: The p.V348F variant (also known as c.1042G>T), located in coding exon 7 of the RAD50 gene, results from a G to T substitution at nucleotide position 1042. The valine at codon 348 is replaced by phenylalanine, an amino acid with highly similar properties. This amino acid position is conserved. In addition, this alteration is predicted to be tolerated by in silico analysis. Based on the available evidence, the clinical significance of this variant remains unclear.

NM_005732.4(RAD50):c.1042G>T (p.Val348Phe)

Gene: RAD50 (RAD50 double strand break repair protein; plus strand). Cytogenetic location: 5q31.1.
Variant type: single nucleotide variant.
Coding change: c.1042G>T on transcript NM_005732.4 (MANE Select); coding-DNA position 1042, G replaced by T.
Protein change: p.Val348Phe; replaces valine 348 with phenylalanine.
Molecular consequence: missense variant.
Genome position (GRCh38, 1-based): chr5:132,588,080, G>T. VCF-style: chr5-132588080-G-T. GRCh37 (hg19) VCF-style: chr5-131923772-G-T.
Other names: short protein forms V348F.
Identifiers: ClinVar variation 3786306 (VCV003786306.1).